The following is an entry in ClinVar:

ClinVar aggregate classification (germline): Pathogenic (1 of 4 stars; one submission).

Conditions:
Glycogen storage disease type III (GSD3). Also called: Cori disease; FORBES DISEASE. Identifiers: Orphanet 366, MedGen C0017922, MONDO:0009291, OMIM 232400.

Submission:

Labcorp Genetics (formerly Invitae), Labcorp
Classification: Pathogenic for Glycogen storage disease type III. Last evaluated: 2023-03-17. Review status: criteria provided, single submitter. Criteria: Invitae Variant Classification Sherloc (09022015). Collection method: clinical testing. Allele origin: germline.
Comment: This sequence change creates a premature translational stop signal (p.Gly979Glufs*17) in the AGL gene. It is expected to result in an absent or disrupted protein product. Loss-of-function variants in AGL are known to be pathogenic (PMID: 19299494). This variant is not present in population databases (gnomAD no frequency). For these reasons, this variant has been classified as Pathogenic. This variant has not been reported in the literature in individuals affected with AGL-related conditions.

Literature cited by the submitters: PubMed 19299494.

NM_000642.3(AGL):c.2936del (p.Gly979fs)

Gene: AGL (amylo-alpha-1,6-glucosidase and 4-alpha-glucanotransferase; plus strand). Cytogenetic location: 1p21.2.
Variant type: Deletion.
Coding change: c.2936del on transcript NM_000642.3 (MANE Select); coding-DNA position 2936, one base deleted (G; older notation c.2936delG).
Protein change: p.Gly979fs; shifts the reading frame from glycine 979.
Molecular consequence: frameshift variant.
Genome position (GRCh38, 1-based): chr1:99,891,343, G deleted; the last of 2 consecutive G bases (chr1:99,891,342-99,891,343); deleting either gives the same sequence. VCF-style (leftmost placement, unchanged base first): chr1-99891341-AG-A. GRCh37 (hg19) VCF-style: chr1-100356897-AG-A.
Other names: c.2936delG, p.Gly979Glufs (NM_000028.3, NM_000643.3, NM_000644.3 and 1 more transcripts); c.2888delG, p.Gly963Glufs (NM_000646.3); c.2915delG, p.Gly972Glufs (NM_001425326.1); c.2735delG, p.Gly912Glufs (NM_001425327.1); c.2732delG, p.Gly911Glufs (NM_001425328.1); c.2597delG, p.Gly866Glufs (NM_001425329.1); c.2558delG, p.Gly853Glufs (NM_001425332.1); short protein forms G963fs, G979fs.
Identifiers: ClinVar variation 2800659 (VCV002800659.3), dbSNP rs2524721125, ClinGen allele CA2574444490.
Genomic context (GRCh38, chr1:99,891,341, plus strand): 5'-TAATTTGAGATCTGGAGATTGGATGATTGACTATGTCAGTAACCGGCTTATTTCACGATC[AG>A]GAACTATTGCTGAAGTAAGTAGAGCTATATTATCGTCCCAAAAAATCAAGGACATAATAA-3'